The following is an entry in ClinVar:

NM_020800.3(IFT80):c.1076+6C>A

Genes: IFT80 (intraflagellar transport 80; minus strand), TRIM59-IFT80 (TRIM59-IFT80 readthrough (NMD candidate); minus strand). Cytogenetic location: 3q25.33.
Variant type: single nucleotide variant.
Coding change: c.1076+6C>A on transcript NM_020800.3 (MANE Select); 6 bases into the intron after coding-DNA position 1076, C replaced by A.
Molecular consequence: intron variant.
Genome position (GRCh38, 1-based): chr3:160,307,657, G>T on the plus strand (C>A on the coding strand, the complement: IFT80 is on the minus strand). VCF-style: chr3-160307657-G-T. GRCh37 (hg19) VCF-style: chr3-160025445-G-T.
Other names: c.665+6C>A (NM_001190241.2, NM_001190242.2).
Identifiers: ClinVar variation 1015578 (VCV001015578.8), dbSNP rs1478232526, ClinGen allele CA1415131713.

ClinVar aggregate classification (germline): Uncertain significance. Review status: criteria provided, multiple submitters, no conflicts (2 of 4 stars). 2 submissions from 2 submitters: Uncertain significance (2). Last evaluated 2025-04-28.

Conditions:
Jeune thoracic dystrophy. Also called: Short-rib thoracic dysplasia; Jeune syndrome; Infantile thoracic dystrophy; Thoracic pelvic phalangeal dystrophy; Jeune's syndrome; Chondroectodermal dysplasia-like syndrome. Identifiers: Orphanet 474, MedGen C0265275, MONDO:0018770.
Asphyxiating thoracic dystrophy 2 (SRTD2). Also called: SHORT-RIB THORACIC DYSPLASIA 2 WITH OR WITHOUT POLYDACTYLY; SHORT-RIB THORACIC DYSPLASIA 2 WITH POLYDACTYLY; SHORT-RIB THORACIC DYSPLASIA 2 WITHOUT POLYDACTYLY. Identifiers: Orphanet 474, MedGen C1970005, MONDO:0012644, OMIM 611263.

Submissions (2):

Labcorp Genetics (formerly Invitae), Labcorp
Classification: Uncertain significance for Jeune thoracic dystrophy. Last evaluated: 2025-04-28. Review status: criteria provided, single submitter. Criteria: Invitae Variant Classification Sherloc (09022015). Collection method: clinical testing. Allele origin: germline.
Comment: This sequence change falls in intron 10 of the IFT80 gene. It does not directly change the encoded amino acid sequence of the IFT80 protein. It affects a nucleotide within the consensus splice site. This variant is not present in population databases (gnomAD no frequency). This variant has not been reported in the literature in individuals affected with IFT80-related conditions. ClinVar contains an entry for this variant (Variation ID: 1015578). Variants that disrupt the consensus splice site are a relatively common cause of aberrant splicing (PMID: 17576681, 9536098). Algorithms developed to predict the effect of sequence changes on RNA splicing suggest that this variant is not likely to affect RNA splicing. In summary, the available evidence is currently insufficient to determine the role of this variant in disease. Therefore, it has been classified as a Variant of Uncertain Significance.

Fulgent Genetics
Classification: Uncertain significance for Asphyxiating thoracic dystrophy 2. Last evaluated: 2024-04-08. Review status: criteria provided, single submitter. Criteria: ACMG Guidelines, 2015. Collection method: clinical testing. Allele origin: germline.

Literature cited by the submitters: PubMed 17576681 (cited by Labcorp Genetics (formerly Invitae), Labcorp); PubMed 9536098 (cited by Labcorp Genetics (formerly Invitae), Labcorp).